The following is an entry in ClinVar:

NM_001287.6(CLCN7):c.233C>T (p.Pro78Leu)

Gene: CLCN7 (chloride voltage-gated channel 7; minus strand). Cytogenetic location: 16p13.3.
Variant type: single nucleotide variant.
Coding change: c.233C>T on transcript NM_001287.6 (MANE Select); coding-DNA position 233, C replaced by T.
Protein change: p.Pro78Leu; replaces proline 78 with leucine.
Molecular consequence: missense variant.
Genome position (GRCh38, 1-based): chr16:1,461,655, G>A on the plus strand (C>T on the coding strand, the complement: CLCN7 is on the minus strand). VCF-style: chr16-1461655-G-A. GRCh37 (hg19) VCF-style: chr16-1511656-G-A.
Other names: c.161C>T, p.Pro54Leu (NM_001114331.3); short protein forms P54L, P78L.
Identifiers: ClinVar variation 2099661 (VCV002099661.4), dbSNP rs1479961601, ClinGen allele CA394193279.
Genomic context (GRCh38, chr16:1,461,655, plus strand): 5'-ACGCCCACCTCATACTTGAGGGACAGGAGCTTCTCGTTGTGTGGGATCTCCTTGGGGAAG[G>A]GATGTGGAGGGTCCATATCCTGTGGCAGAAAAAGGCAAAGAGAGAAGCACAGTTGACAAG-3'
Protein context (NP_001278.1, residues 68-88): LLDPDMDPPH[Pro78Leu]FPKEIPHNEK

ClinVar aggregate classification (germline): Uncertain significance (1 of 4 stars; one submission).

Allele frequency attached by ClinVar (database versions not stated): gnomAD exomes 0.00002.
gnomAD v4.1: 24 of 1,614,120 alleles (0.0015%); highest among the groups gnomAD compares: South Asian, 0.0033%; no homozygotes.

Submission:

Labcorp Genetics (formerly Invitae), Labcorp
Classification: Uncertain significance. Last evaluated: 2023-08-02. Review status: criteria provided, single submitter. Criteria: Invitae Variant Classification Sherloc (09022015). Collection method: clinical testing. Allele origin: germline.
Comment: In summary, the available evidence is currently insufficient to determine the role of this variant in disease. Therefore, it has been classified as a Variant of Uncertain Significance. Advanced modeling of protein sequence and biophysical properties (such as structural, functional, and spatial information, amino acid conservation, physicochemical variation, residue mobility, and thermodynamic stability) performed at Invitae indicates that this missense variant is not expected to disrupt CLCN7 protein function. This sequence change replaces proline, which is neutral and non-polar, with leucine, which is neutral and non-polar, at codon 78 of the CLCN7 protein (p.Pro78Leu). The frequency data for this variant in the population databases is considered unreliable, as metrics indicate poor data quality at this position in the gnomAD database. This variant has not been reported in the literature in individuals affected with CLCN7-related conditions. ClinVar contains an entry for this variant (Variation ID: 2099661).